The following is an entry in ClinVar:

ClinVar aggregate classification (germline): Uncertain significance (1 of 4 stars; one submission).

Conditions:
Hereditary cancer-predisposing syndrome. Also called: Neoplastic Syndromes, Hereditary; Tumor predisposition; Hereditary Cancer Syndrome; Hereditary neoplastic syndrome. Identifiers: Orphanet 140162, MedGen C0027672, MeSH D009386, MONDO:0015356.

Submission:

Ambry Genetics
Classification: Uncertain significance for Hereditary cancer-predisposing syndrome. Last evaluated: 2025-12-23. Review status: criteria provided, single submitter. Criteria: Ambry Variant Classification Scheme 2023. Collection method: clinical testing. Allele origin: germline.
Comment: The p.R120K variant (also known as c.359G>A), located in coding exon 3 of the APC gene, results from a G to A substitution at nucleotide position 359. The arginine at codon 120 is replaced by lysine, an amino acid with highly similar properties. This amino acid position is conserved. In addition, in silico predictors for this gene do not accurately predict pathogenicity. Based on the available evidence, the clinical significance of this variant remains unclear.

NM_000038.6(APC):c.359G>A (p.Arg120Lys)

Gene: APC (APC regulator of Wnt signaling pathway; plus strand). Cytogenetic location: 5q22.2.
Variant type: single nucleotide variant.
Coding change: c.359G>A on transcript NM_000038.6 (MANE Select); coding-DNA position 359, G replaced by A.
Protein change: p.Arg120Lys; replaces arginine 120 with lysine.
Molecular consequence: missense variant. On other transcripts: 5 prime UTR variant (4), non-coding transcript variant (2).
Genome position (GRCh38, 1-based): chr5:112,767,327, G>A. VCF-style: chr5-112767327-G-A. GRCh37 (hg19) VCF-style: chr5-112103024-G-A.
Other names: c.359G>A, p.Arg120Lys (NM_001127510.3, NM_001354895.2, NM_001354896.2 and 16 more transcripts); c.389G>A, p.Arg130Lys (NM_001127511.3, NM_001354897.2, NM_001354902.2 and 1 more transcripts); c.-677G>A (NM_001407470.1, NM_001407471.1, NM_001407472.1 and 1 more transcripts); c.284G>A, p.Arg95Lys (NM_001354898.2, NM_001354904.2, NM_001407451.1); c.182G>A, p.Arg61Lys (NM_001354900.2, NM_001354901.2, NM_001354905.2 and 1 more transcripts); short protein forms R120K, R130K, R61K, R95K.
Identifiers: ClinVar variation 4843525 (VCV004843525.1).